The following is an entry in ClinVar:

NM_017617.5(NOTCH1):c.6700C>G (p.Leu2234Val)

Gene: NOTCH1 (notch receptor 1; minus strand). Cytogenetic location: 9q34.3.
Variant type: single nucleotide variant.
Coding change: c.6700C>G on transcript NM_017617.5 (MANE Select); coding-DNA position 6700, C replaced by G.
Protein change: p.Leu2234Val; replaces leucine 2234 with valine.
Molecular consequence: missense variant.
Genome position (GRCh38, 1-based): chr9:136,497,039, G>C on the plus strand (C>G on the coding strand, the complement: NOTCH1 is on the minus strand). VCF-style: chr9-136497039-G-C. GRCh37 (hg19) VCF-style: chr9-139391491-G-C.
Other names: short protein forms L2234V.
Identifiers: ClinVar variation 3300456 (VCV003300456.1).

ClinVar aggregate classification (germline): Uncertain significance (1 of 4 stars; one submission).

Conditions:
Familial thoracic aortic aneurysm and aortic dissection (TAAD). Also called: Thoracic aortic aneurysms and dissections. Identifiers: Orphanet 91387, MedGen C4707243, MONDO:0019625.

gnomAD v4.1: 23 of 1,609,490 alleles (0.0014%); highest among the groups gnomAD compares: East Asian, 0.051%; no homozygotes.

Submission:

Ambry Genetics
Classification: Uncertain significance for Familial thoracic aortic aneurysm and aortic dissection. Last evaluated: 2024-04-19. Review status: criteria provided, single submitter. Criteria: Ambry Variant Classification Scheme 2023. Collection method: clinical testing. Allele origin: germline.
Comment: The p.L2234V variant (also known as c.6700C>G), located in coding exon 34 of the NOTCH1 gene, results from a C to G substitution at nucleotide position 6700. The leucine at codon 2234 is replaced by valine, an amino acid with highly similar properties. This amino acid position is conserved. In addition, the in silico prediction for this alteration is inconclusive. Based on the available evidence, the clinical significance of this variant remains unclear.